The following is an entry in ClinVar:

ClinVar aggregate classification (germline): Uncertain significance (1 of 4 stars; one submission).

Conditions:
Hereditary cancer-predisposing syndrome. Also called: Neoplastic Syndromes, Hereditary; Tumor predisposition; Hereditary Cancer Syndrome; Hereditary neoplastic syndrome. Identifiers: Orphanet 140162, MedGen C0027672, MeSH D009386, MONDO:0015356.

Submission:

Ambry Genetics
Classification: Uncertain significance for Hereditary cancer-predisposing syndrome. Last evaluated: 2026-03-18. Review status: criteria provided, single submitter. Criteria: Ambry Variant Classification Scheme 2023. Collection method: clinical testing. Allele origin: germline.
Comment: The c.2775-3C>T intronic variant results from a C to T substitution 3 nucleotides upstream from coding exon 20 in the PDGFRA gene. This nucleotide position is well conserved in available vertebrate species. In silico splice site analysis predicts that this alteration will not have any significant effect on splicing. Based on the available evidence, the clinical significance of this variant remains unclear.

NM_006206.6(PDGFRA):c.2775-3C>T

Gene: PDGFRA (platelet derived growth factor receptor alpha; plus strand). Cytogenetic location: 4q12.
Variant type: single nucleotide variant.
Coding change: c.2775-3C>T on transcript NM_006206.6 (MANE Select); 3 bases into the intron before coding-DNA position 2775, C replaced by T.
Molecular consequence: intron variant.
Genome position (GRCh38, 1-based): chr4:54,289,006, C>T. VCF-style: chr4-54289006-C-T. GRCh37 (hg19) VCF-style: chr4-55155173-C-T.
Other names: c.2850-3C>T (NM_001347828.2); c.2775-3C>T (NM_001347829.2); c.2814-3C>T (NM_001347830.2).
Identifiers: ClinVar variation 4861721 (VCV004861721.1).